The following is an entry in ClinVar:

ClinVar aggregate classification (germline): Pathogenic/Likely pathogenic. Review status: criteria provided, multiple submitters, no conflicts (2 of 4 stars). 3 submissions from 3 submitters: Pathogenic (2); Likely pathogenic (1). Last evaluated 2026-08-06.

Conditions:
Inborn genetic diseases. Identifiers: MedGen C0950123, MeSH D030342.
Malan overgrowth syndrome (MALNS). Also called: MALAN SYNDROME; Sotos syndrome 2; NFIX-Related Malan Syndrome. Identifiers: Orphanet 420179, MedGen C3553660, MONDO:0013885, OMIM 614753.

Submissions (3):

GeneDx
Classification: Pathogenic. Last evaluated: 2026-08-06. Review status: criteria provided, single submitter. Criteria: GeneDx Variant Classification Process June 2021. Collection method: clinical testing. Allele origin: germline.
Comment: Canonical splice site variant predicted to result in a null allele in a gene for which loss of function is a known mechanism of disease; Not observed at significant frequency in large population cohorts (gnomAD); This variant is associated with the following publications: (PMID: 35982159, 39457434, 33057194)

Ambry Genetics
Classification: Pathogenic for Inborn genetic diseases. Last evaluated: 2023-06-23. Review status: criteria provided, single submitter. Criteria: Ambry Variant Classification Scheme 2023. Collection method: clinical testing. Allele origin: germline.
Comment: The c.559+1G>A intronic variant results from a G to A substitution one nucleotide after coding exon 2 of the NFIX gene. Alterations that disrupt the canonical splice site are expected to cause aberrant splicing, resulting in an abnormal protein or a transcript that is subject to nonsense-mediated mRNA decay. This variant is unlikely to be causative of Marshall-Smith syndrome; however, it would be expected to be causative of Malan overgrowth syndrome based on mechanism of disease. This variant was not reported in population-based cohorts in the Genome Aggregation Database (gnomAD). This nucleotide position is highly conserved in available vertebrate species. In silico splice site analysis predicts that this alteration will weaken the native splice donor site. Based on the available evidence, this alteration is classified as pathogenic.

Clinical Genetics Service, Universitary Hospital 12 de Octubre
Classification: Likely pathogenic for Malan overgrowth syndrome. Review status: criteria provided, single submitter. Criteria: ACMG Guidelines, 2015. Collection method: clinical testing. Allele origin: germline. Affected: yes.

NM_001365902.3(NFIX):c.559+1G>A

Gene: NFIX (nuclear factor I X; plus strand). Cytogenetic location: 19p13.13.
Variant type: single nucleotide variant.
Coding change: c.559+1G>A on transcript NM_001365902.3 (MANE Select); the canonical splice donor site of the intron after coding-DNA position 559, G replaced by A.
Molecular consequence: splice donor variant.
Genome position (GRCh38, 1-based): chr19:13,025,553, G>A. VCF-style: chr19-13025553-G-A. GRCh37 (hg19) VCF-style: chr19-13136367-G-A.
Other names: c.559+1G>A (NM_002501.4, NM_001365982.2, NM_002501.2); c.535+1G>A (NM_001378404.1, NM_001271044.3); c.607+1G>A (NM_001378405.1); c.418+1G>A (NM_001365983.2); c.583+1G>A (NM_001271043.2); c.556+1G>A (NM_001365984.2, NM_001365985.2).
Identifiers: ClinVar variation 373027 (VCV000373027.6), dbSNP rs1057518152, ClinGen allele CA16043079.
Genomic context (GRCh38, chr19:13,025,553, plus strand): 5'-ACATTGGAGTCACAATCAAAGAACTGGATCTTTATCTGGCTTACTTTGTCCACACTCCGG[G>A]TAGGTCGTTCTCAACCATTTTTCCCTCTCATTTTATTTTCCTTGCTGGCATTTGTTCTGT-3'